The following is an entry in ClinVar:

ClinVar aggregate classification (germline): Conflicting classifications of pathogenicity. Review status: criteria provided, conflicting classifications (1 of 4 stars). 2 submissions from 2 submitters: Uncertain significance (1); Likely benign (1). Last evaluated 2026-01-10.

Conditions:
Neuroblastoma, susceptibility to, 3. Also called: ALK-Related Neuroblastic Tumor Susceptibility. Identifiers: Orphanet 635, MedGen C2751681, MONDO:0013083, OMIM 613014.
Hereditary cancer-predisposing syndrome. Also called: Hereditary neoplastic syndrome; Tumor predisposition; Hereditary Cancer Syndrome; Neoplastic Syndromes, Hereditary. Identifiers: Orphanet 140162, MedGen C0027672, MeSH D009386, MONDO:0015356.

Allele frequency attached by ClinVar (database versions not stated): TOPMed 0.00001.
gnomAD v4.1: 31 of 1,595,582 alleles (0.0019%); highest among the groups gnomAD compares: Non-Finnish European, 0.0026%; no homozygotes.

Submissions (2):

Labcorp Genetics (formerly Invitae), Labcorp
Classification: Uncertain significance for Neuroblastoma, susceptibility to, 3. Last evaluated: 2026-01-10. Review status: criteria provided, single submitter. Criteria: Invitae Variant Classification Sherloc (09022015). Collection method: clinical testing. Allele origin: germline.
Comment: This sequence change replaces proline, which is neutral and non-polar, with leucine, which is neutral and non-polar, at codon 32 of the ALK protein (p.Pro32Leu). This variant is present in population databases (no rsID available, gnomAD 0.003%). This variant has not been reported in the literature in individuals affected with ALK-related conditions. ClinVar contains an entry for this variant (Variation ID: 579738). An algorithm developed to predict the effect of missense changes on protein structure and function outputs the following: PolyPhen-2: "Benign". The leucine amino acid residue is found in multiple mammalian species, which suggests that this missense change does not adversely affect protein function. In summary, the available evidence is currently insufficient to determine the role of this variant in disease. Therefore, it has been classified as a Variant of Uncertain Significance.

Ambry Genetics
Classification: Likely benign for Hereditary cancer-predisposing syndrome. Last evaluated: 2024-12-09. Review status: criteria provided, single submitter. Criteria: Ambry Variant Classification Scheme 2023. Collection method: clinical testing. Allele origin: germline.

Literature cited by the submitters: PubMed 32830346 (cited by Ambry Genetics).

NM_004304.5(ALK):c.95C>T (p.Pro32Leu)

Gene: ALK (ALK receptor tyrosine kinase; minus strand). Cytogenetic location: 2p23.1.
Variant type: single nucleotide variant.
Coding change: c.95C>T on transcript NM_004304.5 (MANE Select); coding-DNA position 95, C replaced by T.
Protein change: p.Pro32Leu; replaces proline 32 with leucine.
Molecular consequence: missense variant.
Genome position (GRCh38, 1-based): chr2:29,920,565, G>A on the plus strand (C>T on the coding strand, the complement: ALK is on the minus strand). VCF-style: chr2-29920565-G-A. GRCh37 (hg19) VCF-style: chr2-30143431-G-A.
Other names: short protein forms P32L.
Identifiers: ClinVar variation 579738 (VCV000579738.12), dbSNP rs759748510, ClinGen allele CA45004786.